The following is an entry in ClinVar:

NM_030957.4(ADAMTS10):c.2154G>A (p.Gly718=)

Gene: ADAMTS10 (ADAM metallopeptidase with thrombospondin type 1 motif 10; minus strand). Cytogenetic location: 19p13.2.
Variant type: single nucleotide variant.
Coding change: c.2154G>A on transcript NM_030957.4 (MANE Select); coding-DNA position 2154, G replaced by A.
Protein change: p.Gly718=; no amino-acid change (glycine 718 retained).
Molecular consequence: synonymous variant.
Genome position (GRCh38, 1-based): chr19:8,589,246, C>T on the plus strand (G>A on the coding strand, the complement: ADAMTS10 is on the minus strand). VCF-style: chr19-8589246-C-T. GRCh37 (hg19) VCF-style: chr19-8654130-C-T.
Other names: c.615G>A, p.Gly205= (NM_001282352.2).
Identifiers: ClinVar variation 719827 (VCV000719827.15), dbSNP rs112185875, ClinGen allele CA9160206.

ClinVar aggregate classification (germline): Benign/Likely benign. Review status: criteria provided, multiple submitters, no conflicts (2 of 4 stars). 3 submissions from 3 submitters: Benign (1); Likely benign (2). Last evaluated 2026-01-28.

Conditions:
Weill-Marchesani syndrome. Also called: WM Syndrome; Mesodermal dysmorphodystrophy congenital. Identifiers: Orphanet 3449, MedGen C0265313, MONDO:0018096.

Allele frequency attached by ClinVar (database versions not stated): gnomAD exomes 0.00016 and 0.00053; ExAC 0.00063; gnomAD 0.00204 and 0.00213; TOPMed 0.00208; ESP Exome Variant Server 0.00238; 1000 Genomes Project 0.00459; 1000 Genomes Project 30x 0.00515.
gnomAD v4.1: 563 of 1,612,688 alleles (0.035%); highest among the groups gnomAD compares: African/African-American, 0.67%; 4 homozygotes.

Submissions (3):

Labcorp Genetics (formerly Invitae), Labcorp
Classification: Benign. Last evaluated: 2026-01-28. Review status: criteria provided, single submitter. Criteria: Invitae Variant Classification Sherloc (09022015). Collection method: clinical testing. Allele origin: germline.

Blueprint Genetics
Classification: Likely benign. Last evaluated: 2024-08-28. Review status: criteria provided, single submitter. Criteria: ACMG Guidelines, 2015. Collection method: clinical testing. Allele origin: germline.

Illumina Laboratory Services, Illumina
Classification: Likely benign for Weill-Marchesani syndrome. Last evaluated: 2018-01-12. Review status: criteria provided, single submitter. Criteria: ICSL Variant Classification Criteria 13 December 2019. Collection method: clinical testing. Allele origin: germline.
Comment: This variant was observed in the ICSL laboratory as part of a predisposition screen in an ostensibly healthy population. It had not been previously curated by ICSL or reported in the Human Gene Mutation Database (HGMD: prior to June 1st, 2018), and was therefore a candidate for classification through an automated scoring system. Utilizing variant allele frequency, disease prevalence and penetrance estimates, and inheritance mode, an automated score was calculated to assess if this variant is too frequent to cause the disease. Based on the score and internal cut-off values, a variant classified as likely benign is not then subjected to further curation. The score for this variant resulted in a classification of likely benign for this disease.